The following is an entry in ClinVar:

ClinVar aggregate classification (germline): Uncertain significance. Review status: criteria provided, multiple submitters, no conflicts (2 of 4 stars). 2 submissions from 2 submitters: Uncertain significance (2). Last evaluated 2025-11-11.

Conditions:
Hereditary cancer-predisposing syndrome. Also called: Tumor predisposition; Neoplastic Syndromes, Hereditary; Hereditary Cancer Syndrome; Hereditary neoplastic syndrome. Identifiers: Orphanet 140162, MedGen C0027672, MeSH D009386, MONDO:0015356.
Neuroblastoma, susceptibility to, 3. Also called: ALK-Related Neuroblastic Tumor Susceptibility. Identifiers: Orphanet 635, MedGen C2751681, MONDO:0013083, OMIM 613014.

Allele frequency attached by ClinVar (database versions not stated): gnomAD exomes below 0.00001.
gnomAD v4.1: 1 of 1,612,172 alleles (0.000062%); highest among the groups gnomAD compares: Non-Finnish European, 0.000085%; no homozygotes.

Submissions (2):

Labcorp Genetics (formerly Invitae), Labcorp
Classification: Uncertain significance for Neuroblastoma, susceptibility to, 3. Last evaluated: 2025-11-11. Review status: criteria provided, single submitter. Criteria: Invitae Variant Classification Sherloc (09022015). Collection method: clinical testing. Allele origin: germline.
Comment: This sequence change replaces arginine, which is basic and polar, with serine, which is neutral and polar, at codon 48 of the ALK protein (p.Arg48Ser). This variant is not present in population databases (gnomAD no frequency). This variant has not been reported in the literature in individuals affected with ALK-related conditions. ClinVar contains an entry for this variant (Variation ID: 404354). An algorithm developed to predict the effect of missense changes on protein structure and function (PolyPhen-2) suggests that this variant is likely to be disruptive. In summary, the available evidence is currently insufficient to determine the role of this variant in disease. Therefore, it has been classified as a Variant of Uncertain Significance.

Ambry Genetics
Classification: Uncertain significance for Hereditary cancer-predisposing syndrome. Last evaluated: 2025-06-21. Review status: criteria provided, single submitter. Criteria: Ambry Variant Classification Scheme 2023. Collection method: clinical testing. Allele origin: germline.
Comment: The p.R48S variant (also known as c.142C>A), located in coding exon 1 of the ALK gene, results from a C to A substitution at nucleotide position 142. The arginine at codon 48 is replaced by serine, an amino acid with dissimilar properties. This amino acid position is conserved. In addition, the in silico prediction for this alteration is inconclusive. Based on the available evidence, the clinical significance of this variant remains unclear.

NM_004304.5(ALK):c.142C>A (p.Arg48Ser)

Gene: ALK (ALK receptor tyrosine kinase; minus strand). Cytogenetic location: 2p23.1.
Variant type: single nucleotide variant.
Coding change: c.142C>A on transcript NM_004304.5 (MANE Select); coding-DNA position 142, C replaced by A.
Protein change: p.Arg48Ser; replaces arginine 48 with serine.
Molecular consequence: missense variant.
Genome position (GRCh38, 1-based): chr2:29,920,518, G>T on the plus strand (C>A on the coding strand, the complement: ALK is on the minus strand). VCF-style: chr2-29920518-G-T. GRCh37 (hg19) VCF-style: chr2-30143384-G-T.
Other names: short protein forms R48S.
Identifiers: ClinVar variation 404354 (VCV000404354.11), dbSNP rs1060500221, ClinGen allele CA16610754.